The following is an entry in ClinVar:

ClinVar aggregate classification (germline): Uncertain significance (1 of 4 stars; one submission).

Conditions:
Hereditary cancer-predisposing syndrome. Also called: Hereditary Cancer Syndrome; Hereditary neoplastic syndrome; Neoplastic Syndromes, Hereditary; Tumor predisposition. Identifiers: Orphanet 140162, MedGen C0027672, MeSH D009386, MONDO:0015356.

Submission:

Ambry Genetics
Classification: Uncertain significance for Hereditary cancer-predisposing syndrome. Last evaluated: 2022-02-03. Review status: criteria provided, single submitter. Criteria: Ambry Variant Classification Scheme 2023. Collection method: clinical testing. Allele origin: germline.
Comment: The p.A496S variant (also known as c.1486G>T), located in coding exon 13 of the BAP1 gene, results from a G to T substitution at nucleotide position 1486. The alanine at codon 496 is replaced by serine, an amino acid with similar properties. This amino acid position is highly conserved in available vertebrate species. In addition, this alteration is predicted to be tolerated by in silico analysis. Since supporting evidence is limited at this time, the clinical significance of this alteration remains unclear.

NM_004656.4(BAP1):c.1486G>T (p.Ala496Ser)

Gene: BAP1 (BRCA1 associated deubiquitinase 1; minus strand). Cytogenetic location: 3p21.1.
Variant type: single nucleotide variant.
Coding change: c.1486G>T on transcript NM_004656.4 (MANE Select); coding-DNA position 1486, G replaced by T.
Protein change: p.Ala496Ser; replaces alanine 496 with serine.
Molecular consequence: missense variant.
Genome position (GRCh38, 1-based): chr3:52,403,659, C>A on the plus strand (G>T on the coding strand, the complement: BAP1 is on the minus strand). VCF-style: chr3-52403659-C-A. GRCh37 (hg19) VCF-style: chr3-52437675-C-A.
Other names: c.1432G>T, p.Ala478Ser (NM_001410772.1); short protein forms A478S, A496S.
Identifiers: ClinVar variation 1773680 (VCV001773680.2), dbSNP rs2153226695, ClinGen allele CA353101041.